The following is an entry in ClinVar:

NM_001394372.1(BICRA):c.718C>G (p.Gln240Glu)

Gene: BICRA (BRD4 interacting chromatin remodeling complex associated protein; plus strand). Cytogenetic location: 19q13.33.
Variant type: single nucleotide variant.
Coding change: c.718C>G on transcript NM_001394372.1 (MANE Select); coding-DNA position 718, C replaced by G.
Protein change: p.Gln240Glu; replaces glutamine 240 with glutamic acid.
Molecular consequence: missense variant.
Genome position (GRCh38, 1-based): chr19:47,679,888, C>G. VCF-style: chr19-47679888-C-G. GRCh37 (hg19) VCF-style: chr19-48183145-C-G.
Other names: c.718C>G, p.Gln240Glu (NM_015711.3); short protein forms Q240E.
Identifiers: ClinVar variation 4996835 (VCV004996835.1).
Genomic context (GRCh38, chr19:47,679,888, plus strand): 5'-GGCAGCCCTGGGGGTGCCACGGCGGCCACACTGGGCCTGGCGCCCATCCAGGTGGTGGGC[C>G]AGCCCGTCATGGCGCTCAACACGCCCACCTCCCAGCTCCTGGCCAAGCAGGTGCCCGTCA-3'
Protein context (NP_001381301.1, residues 230-250): LGLAPIQVVG[Gln240Glu]PVMALNTPTS

ClinVar aggregate classification (germline): Uncertain significance (1 of 4 stars; one submission).

Conditions:
BICRA-related disorder. Also called: BICRA-related condition.

Submission:

PreventionGenetics, part of Exact Sciences
Classification: Uncertain significance for BICRA-related condition. Last evaluated: 2026-02-26. Review status: criteria provided, single submitter. Criteria: ACMG Guidelines, 2015. Collection method: clinical testing. Allele origin: germline.
Comment: The BICRA c.718C>G variant is predicted to result in the amino acid substitution p.Gln240Glu. To our knowledge, this variant has not been reported in the literature or in a large population database (gnomAD), indicating this variant is rare. At this time, the clinical significance of this variant is uncertain due to the absence of conclusive functional and genetic evidence.